The following is an entry in ClinVar:

ClinVar aggregate classification (germline): Uncertain significance (1 of 4 stars; one submission).

Conditions:
Alzheimer disease 4 (AD4). Identifiers: Orphanet 1020, MedGen C1847200, MONDO:0011743, OMIM 606889.

Submission:

Labcorp Genetics (formerly Invitae), Labcorp
Classification: Uncertain significance for Alzheimer disease 4. Last evaluated: 2022-04-07. Review status: criteria provided, single submitter. Criteria: Invitae Variant Classification Sherloc (09022015). Collection method: clinical testing. Allele origin: germline.
Comment: This variant is not present in population databases (gnomAD no frequency). In summary, the available evidence is currently insufficient to determine the role of this variant in disease. Therefore, it has been classified as a Variant of Uncertain Significance. Algorithms developed to predict the effect of missense changes on protein structure and function are either unavailable or do not agree on the potential impact of this missense change (SIFT: "Deleterious"; PolyPhen-2: "Probably Damaging"; Align-GVGD: "Class C0"). This variant has not been reported in the literature in individuals affected with PSEN2-related conditions. This sequence change replaces alanine, which is neutral and non-polar, with threonine, which is neutral and polar, at codon 415 of the PSEN2 protein (p.Ala415Thr).

NM_000447.3(PSEN2):c.1243G>A (p.Ala415Thr)

Gene: PSEN2 (presenilin 2; plus strand). Cytogenetic location: 1q42.13.
Variant type: single nucleotide variant.
Coding change: c.1243G>A on transcript NM_000447.3 (MANE Select); coding-DNA position 1243, G replaced by A.
Protein change: p.Ala415Thr; replaces alanine 415 with threonine.
Molecular consequence: missense variant.
Genome position (GRCh38, 1-based): chr1:226,895,475, G>A. VCF-style: chr1-226895475-G-A. GRCh37 (hg19) VCF-style: chr1-227083176-G-A.
Other names: c.1240G>A, p.Ala414Thr (NM_012486.3); short protein forms A414T, A415T.
Identifiers: ClinVar variation 1960208 (VCV001960208.5), dbSNP rs201494033, ClinGen allele CA38626876.